The following is an entry in ClinVar:

ClinVar aggregate classification (germline): Uncertain significance (1 of 4 stars; one submission).

Submission:

Labcorp Genetics (formerly Invitae), Labcorp
Classification: Uncertain significance. Last evaluated: 2021-12-16. Review status: criteria provided, single submitter. Criteria: Invitae Variant Classification Sherloc (09022015). Collection method: clinical testing. Allele origin: germline.
Comment: This variant, c.2286_2294dup, results in the insertion of 3 amino acid(s) of the UNC80 protein (p.Gly764_Gly766dup), but otherwise preserves the integrity of the reading frame. This variant is not present in population databases (gnomAD no frequency). This variant has not been reported in the literature in individuals affected with UNC80-related conditions. Experimental studies and prediction algorithms are not available or were not evaluated, and the functional significance of this variant is currently unknown. In summary, the available evidence is currently insufficient to determine the role of this variant in disease. Therefore, it has been classified as a Variant of Uncertain Significance.

NM_001371986.1(UNC80):c.2277AGGTGGAGG[3] (p.Gly764_Gly766dup)

Gene: UNC80 (unc-80 homolog, NALCN channel complex subunit; plus strand). Cytogenetic location: 2q34.
Variant type: Microsatellite.
Coding change: c.2277AGGTGGAGG[3] on transcript NM_001371986.1 (MANE Select); three copies in a row of the 9-base unit AGGTGGAGG starting at c.2277; the reference has two copies in a row; one copy, 9 bases duplicated.
Protein change: p.Gly764_Gly766dup.
Molecular consequence: inframe insertion.
Genome position (GRCh38, 1-based): chr2:209,820,634-209,820,642, AGGTGGAGG duplicated; duplicating any 9 consecutive bases within chr2:209,820,620-209,820,642 gives the same sequence; the position shown is the placement nearest the transcript's 3' end. VCF-style (leftmost placement, unchanged base first): chr2-209820619-A-AGGAGGAGGT. GRCh37 (hg19) VCF-style: chr2-210685343-A-AGGAGGAGGT.
Other names: c.2277AGGTGGAGG[3], p.Gly764_Gly766dup (NM_032504.2, NM_182587.4).
Identifiers: ClinVar variation 1416272 (VCV001416272.3), dbSNP rs918663368, ClinGen allele CA764096208.